The following is an entry in ClinVar:

NM_170606.3(KMT2C):c.5650C>T (p.Pro1884Ser)

Gene: KMT2C (lysine methyltransferase 2C; minus strand). Cytogenetic location: 7q36.1.
Variant type: single nucleotide variant.
Coding change: c.5650C>T on transcript NM_170606.3 (MANE Select); coding-DNA position 5650, C replaced by T.
Protein change: p.Pro1884Ser; replaces proline 1884 with serine.
Molecular consequence: missense variant.
Genome position (GRCh38, 1-based): chr7:152,182,210, G>A on the plus strand (C>T on the coding strand, the complement: KMT2C is on the minus strand). VCF-style: chr7-152182210-G-A. GRCh37 (hg19) VCF-style: chr7-151879295-G-A.
Other names: short protein forms P1884S.
Identifiers: ClinVar variation 2582027 (VCV002582027.1), dbSNP rs778626630, ClinGen allele CA4580213.

ClinVar aggregate classification (germline): Uncertain significance (1 of 4 stars; one submission).

Allele frequency attached by ClinVar (database versions not stated): TOPMed below 0.00001; ExAC 0.00001; gnomAD 0.00001.
gnomAD v4.1: 2 of 1,614,020 alleles (0.00012%); highest among the groups gnomAD compares: Admixed American, 0.0033%; no homozygotes.

Submission:

GeneDx
Classification: Uncertain significance. Last evaluated: 2023-03-27. Review status: criteria provided, single submitter. Criteria: GeneDx Variant Classification Process June 2021. Collection method: clinical testing. Allele origin: germline. Affected: yes.
Comment: In silico analysis supports that this missense variant has a deleterious effect on protein structure/function; Has not been previously published as pathogenic or benign to our knowledge